The following is an entry in ClinVar:

NM_001375405.1(CEP120):c.1948G>C (p.Glu650Gln)

Gene: CEP120 (centrosomal protein 120; minus strand). Cytogenetic location: 5q23.2.
Variant type: single nucleotide variant.
Coding change: c.1948G>C on transcript NM_001375405.1 (MANE Select); coding-DNA position 1948, G replaced by C.
Protein change: p.Glu650Gln; replaces glutamic acid 650 with glutamine.
Molecular consequence: missense variant. On other transcripts: non-coding transcript variant (1).
Genome position (GRCh38, 1-based): chr5:123,382,802, C>G on the plus strand (G>C on the coding strand, the complement: CEP120 is on the minus strand). VCF-style: chr5-123382802-C-G. GRCh37 (hg19) VCF-style: chr5-122718496-C-G.
Other names: c.1870G>C, p.Glu624Gln (NM_001166226.2); c.1813G>C, p.Glu605Gln (NM_001375406.1); c.1948G>C, p.Glu650Gln (NM_001375407.1, NM_153223.4); c.1375G>C, p.Glu459Gln (NM_001375408.1, NM_001375409.1); short protein forms E650Q, E459Q, E605Q, E624Q.
Identifiers: ClinVar variation 1479240 (VCV001479240.8), dbSNP rs1280274264, ClinGen allele CA360900589.

ClinVar aggregate classification (germline): Uncertain significance (1 of 4 stars; one submission).

Conditions:
Short-rib thoracic dysplasia 13 with or without polydactyly (SRTD13). Identifiers: Orphanet 474, MedGen C4225378, MONDO:0014577, OMIM 616300.

Allele frequency attached by ClinVar (database versions not stated): gnomAD exomes below 0.00001.

Submission:

Labcorp Genetics (formerly Invitae), Labcorp
Classification: Uncertain significance for Short-rib thoracic dysplasia 13 with or without polydactyly. Last evaluated: 2023-05-02. Review status: criteria provided, single submitter. Criteria: Invitae Variant Classification Sherloc (09022015). Collection method: clinical testing. Allele origin: germline.
Comment: In summary, the available evidence is currently insufficient to determine the role of this variant in disease. Therefore, it has been classified as a Variant of Uncertain Significance. Advanced modeling of protein sequence and biophysical properties (such as structural, functional, and spatial information, amino acid conservation, physicochemical variation, residue mobility, and thermodynamic stability) performed at Invitae indicates that this missense variant is expected to disrupt CEP120 protein function. ClinVar contains an entry for this variant (Variation ID: 1479240). This variant has not been reported in the literature in individuals affected with CEP120-related conditions. This variant is present in population databases (no rsID available, gnomAD 0.0009%). This sequence change replaces glutamic acid, which is acidic and polar, with glutamine, which is neutral and polar, at codon 650 of the CEP120 protein (p.Glu650Gln).